The following is an entry in ClinVar:

ClinVar aggregate classification (germline): Likely benign (1 of 4 stars; one submission).

gnomAD v4.1: 11 of 1,545,582 alleles (0.00071%); highest among the groups gnomAD compares: Non-Finnish European, 0.00078%; no homozygotes.

Submission:

Women's Health and Genetics/Laboratory Corporation of America, LabCorp
Classification: Likely benign. Last evaluated: 2023-09-13. Review status: criteria provided, single submitter. Criteria: LabCorp Variant Classification Summary - May 2015. Collection method: clinical testing. Allele origin: germline.
Comment: Variant summary: XPR1 c.1502-13C>A alters a non-conserved nucleotide located at a position not widely known to affect splicing. Consensus agreement among computation tools predict no significant impact on normal splicing. However, these predictions have yet to be confirmed by functional studies. The variant was absent in 202846 control chromosomes (gnomAD). The available data on variant occurrences in the general population are insufficient to allow any conclusion about variant significance. To our knowledge, no occurrence of c.1502-13C>A in individuals affected with Basal Ganglia Calcification, Idiopathic, 6 and no experimental evidence demonstrating its impact on protein function have been reported. No submitters have cited clinical-significance assessments for this variant to ClinVar after 2014. Based on the evidence outlined above, the variant was classified as likely benign.

NM_004736.4(XPR1):c.1502-13C>A

Gene: XPR1 (xenotropic and polytropic retrovirus receptor 1; plus strand). Cytogenetic location: 1q25.3.
Variant type: single nucleotide variant.
Coding change: c.1502-13C>A on transcript NM_004736.4 (MANE Select); 13 bases into the intron before coding-DNA position 1502, C replaced by A.
Molecular consequence: intron variant.
Genome position (GRCh38, 1-based): chr1:180,863,695, C>A. VCF-style: chr1-180863695-C-A. GRCh37 (hg19) VCF-style: chr1-180832831-C-A.
Other names: c.1307-13C>A (NM_001135669.2).
Identifiers: ClinVar variation 2627219 (VCV002627219.1), dbSNP rs971252094, ClinGen allele CA34137495.